The following is an entry in ClinVar:

ClinVar aggregate classification (germline): Uncertain significance (1 of 4 stars; one submission).

gnomAD v4.1: 5 of 1,612,438 alleles (0.00031%); highest among the groups gnomAD compares: Non-Finnish European, 0.00042%; no homozygotes.

Submission:

Labcorp Genetics (formerly Invitae), Labcorp
Classification: Uncertain significance. Last evaluated: 2024-03-16. Review status: criteria provided, single submitter. Criteria: Invitae Variant Classification Sherloc (09022015). Collection method: clinical testing. Allele origin: germline.
Comment: This sequence change replaces aspartic acid, which is acidic and polar, with histidine, which is basic and polar, at codon 637 of the ENPP1 protein (p.Asp637His). This variant is not present in population databases (gnomAD no frequency). This variant has not been reported in the literature in individuals affected with ENPP1-related conditions. ClinVar contains an entry for this variant (Variation ID: 1052086). Advanced modeling of protein sequence and biophysical properties (such as structural, functional, and spatial information, amino acid conservation, physicochemical variation, residue mobility, and thermodynamic stability) performed at Invitae indicates that this missense variant is not expected to disrupt ENPP1 protein function with a negative predictive value of 80%. Algorithms developed to predict the effect of sequence changes on RNA splicing suggest that this variant may disrupt the consensus splice site. In summary, the available evidence is currently insufficient to determine the role of this variant in disease. Therefore, it has been classified as a Variant of Uncertain Significance.

NM_006208.3(ENPP1):c.1909G>C (p.Asp637His)

Gene: ENPP1 (ectonucleotide pyrophosphatase/phosphodiesterase 1; plus strand). Cytogenetic location: 6q23.2.
Variant type: single nucleotide variant.
Coding change: c.1909G>C on transcript NM_006208.3 (MANE Select); coding-DNA position 1909, G replaced by C.
Protein change: p.Asp637His; replaces aspartic acid 637 with histidine.
Molecular consequence: missense variant.
Genome position (GRCh38, 1-based): chr6:131,878,557, G>C. VCF-style: chr6-131878557-G-C. GRCh37 (hg19) VCF-style: chr6-132199697-G-C.
Other names: short protein forms D637H.
Identifiers: ClinVar variation 1052086 (VCV001052086.9), dbSNP rs2114722383, ClinGen allele CA365652733.
Genomic context (GRCh38, chr6:131,878,557, plus strand): 5'-AACATGTCTCTCAGTCCTTAAAAATAGTTTTATAACCTTTTTTAGATTTTGCCGATTGAG[G>C]ATTTTCAAACACAGTTCAATCTGACTGTGGCAGAAGGTAAGGCATGCTACACACTCAAGC-3'
Protein context (NP_006199.2, residues 627-647): SCNPSILPIE[Asp637His]FQTQFNLTVA